The following is an entry in ClinVar:

ClinVar aggregate classification (germline): Uncertain significance (1 of 4 stars; one submission).

Allele frequency attached by ClinVar (database versions not stated): gnomAD exomes below 0.00001.
gnomAD v4.1: 5 of 1,609,978 alleles (0.00031%); highest among the groups gnomAD compares: Admixed American, 0.005%; no homozygotes.

Submission:

Labcorp Genetics (formerly Invitae), Labcorp
Classification: Uncertain significance. Last evaluated: 2025-02-17. Review status: criteria provided, single submitter. Criteria: Invitae Variant Classification Sherloc (09022015). Collection method: clinical testing. Allele origin: germline.
Comment: This sequence change replaces serine, which is neutral and polar, with proline, which is neutral and non-polar, at codon 272 of the NUP62 protein (p.Ser272Pro). This variant is present in population databases (no rsID available, gnomAD 0.009%). This variant has not been reported in the literature in individuals affected with NUP62-related conditions. ClinVar contains an entry for this variant (Variation ID: 1924939). An algorithm developed to predict the effect of missense changes on protein structure and function (PolyPhen-2) suggests that this variant is likely to be tolerated. In summary, the available evidence is currently insufficient to determine the role of this variant in disease. Therefore, it has been classified as a Variant of Uncertain Significance.

NM_016553.5(NUP62):c.814T>C (p.Ser272Pro)

Genes: IL4I1 (interleukin 4 induced 1; minus strand), NUP62 (nucleoporin 62; minus strand). Cytogenetic location: 19q13.33.
Variant type: single nucleotide variant.
Coding change: c.814T>C on transcript NM_016553.5 (MANE Select); coding-DNA position 814, T replaced by C.
Protein change: p.Ser272Pro; replaces serine 272 with proline.
Molecular consequence: missense variant. On other transcripts: intron variant (3).
Genome position (GRCh38, 1-based): chr19:49,908,994, A>G on the plus strand (T>C on the coding strand, the complement: NUP62 is on the minus strand). VCF-style: chr19-49908994-A-G. GRCh37 (hg19) VCF-style: chr19-50412251-A-G.
Other names: c.814T>C, p.Ser272Pro (NM_001193357.2, NM_012346.5, NM_153718.4 and 1 more transcripts); c.-227-4673T>C (NM_001258017.2, NM_172374.3); c.-285-4673T>C (NM_001258018.2); short protein forms S272P.
Identifiers: ClinVar variation 1924939 (VCV001924939.4), dbSNP rs1568699872, ClinGen allele CA406925876.